The following is an entry in ClinVar:

ClinVar aggregate classification (germline): Uncertain significance (1 of 4 stars; one submission).

Conditions:
Townes syndrome (TBS). Also called: Townes-Brocks syndrome. Identifiers: Orphanet 857, MedGen C0265246, MeSH C536974, MONDO:0007142.

Submission:

Labcorp Genetics (formerly Invitae), Labcorp
Classification: Uncertain significance for Townes syndrome. Last evaluated: 2026-01-04. Review status: criteria provided, single submitter. Criteria: Invitae Variant Classification Sherloc (09022015). Collection method: clinical testing. Allele origin: germline.
Comment: This sequence change replaces glycine, which is neutral and non-polar, with arginine, which is basic and polar, at codon 1226 of the SALL1 protein (p.Gly1226Arg). This variant is present in population databases (rs755889436, gnomAD 0.0009%). This variant has not been reported in the literature in individuals affected with SALL1-related conditions. An algorithm developed to predict the effect of missense changes on protein structure and function (PolyPhen-2) suggests that this variant is likely to be disruptive. In summary, the available evidence is currently insufficient to determine the role of this variant in disease. Therefore, it has been classified as a Variant of Uncertain Significance.

NM_002968.3(SALL1):c.3676G>A (p.Gly1226Arg)

Gene: SALL1 (spalt like transcription factor 1; minus strand). Cytogenetic location: 16q12.1.
Variant type: single nucleotide variant.
Coding change: c.3676G>A on transcript NM_002968.3 (MANE Select); coding-DNA position 3676, G replaced by A.
Protein change: p.Gly1226Arg; replaces glycine 1226 with arginine.
Molecular consequence: missense variant.
Genome position (GRCh38, 1-based): chr16:51,137,411, C>T on the plus strand (G>A on the coding strand, the complement: SALL1 is on the minus strand). VCF-style: chr16-51137411-C-T. GRCh37 (hg19) VCF-style: chr16-51171322-C-T.
Other names: c.3385G>A, p.Gly1129Arg (NM_001127892.2); short protein forms G1129R, G1226R.
Identifiers: ClinVar variation 4773854 (VCV004773854.1).